The following is an entry in ClinVar:

NM_000064.4(C3):c.1385G>C (p.Arg462Pro)

Gene: C3 (complement C3; minus strand). Cytogenetic location: 19p13.3.
Variant type: single nucleotide variant.
Coding change: c.1385G>C on transcript NM_000064.4 (MANE Select); coding-DNA position 1385, G replaced by C.
Protein change: p.Arg462Pro; replaces arginine 462 with proline.
Molecular consequence: missense variant.
Genome position (GRCh38, 1-based): chr19:6,711,081, C>G on the plus strand (G>C on the coding strand, the complement: C3 is on the minus strand). VCF-style: chr19-6711081-C-G. GRCh37 (hg19) VCF-style: chr19-6711092-C-G.
Other names: short protein forms R462P.
Identifiers: ClinVar variation 1515311 (VCV001515311.8), dbSNP rs373081527, ClinGen allele CA403640997.
Genomic context (GRCh38, chr19:6,711,081, plus strand): 5'-GCGCGGTCCATTCGCAGGAGGAAGTTGACGTTGAGGGTCTCCCCGGGTCTGAGCTCTGTA[C>G]GTAGCACTGAGAGATGCAGGTAATTGTTGGAGTTGCCCACGGTGCTGTAGGGCAGAGCCT-3'
Protein context (NP_000055.2, residues 452-472): SNNYLHLSVL[Arg462Pro]TELRPGETLN

ClinVar aggregate classification (germline): Uncertain significance (1 of 4 stars; one submission).

Submission:

Labcorp Genetics (formerly Invitae), Labcorp
Classification: Uncertain significance. Last evaluated: 2022-10-13. Review status: criteria provided, single submitter. Criteria: Invitae Variant Classification Sherloc (09022015). Collection method: clinical testing. Allele origin: germline.
Comment: This sequence change replaces arginine, which is basic and polar, with proline, which is neutral and non-polar, at codon 462 of the C3 protein (p.Arg462Pro). In summary, the available evidence is currently insufficient to determine the role of this variant in disease. Therefore, it has been classified as a Variant of Uncertain Significance. Advanced modeling of protein sequence and biophysical properties (such as structural, functional, and spatial information, amino acid conservation, physicochemical variation, residue mobility, and thermodynamic stability) performed at Invitae indicates that this missense variant is not expected to disrupt C3 protein function. ClinVar contains an entry for this variant (Variation ID: 1515311). This variant has not been reported in the literature in individuals affected with C3-related conditions. This variant is not present in population databases (gnomAD no frequency).